The following is an entry in ClinVar:

NM_000061.3(BTK):c.1834C>T (p.Gln612Ter)

Gene: BTK (Bruton tyrosine kinase; minus strand). Cytogenetic location: Xq22.1.
Variant type: single nucleotide variant.
Coding change: c.1834C>T on transcript NM_000061.3 (MANE Select); coding-DNA position 1834, C replaced by T.
Protein change: p.Gln612Ter; replaces glutamine 612 with a stop codon.
Molecular consequence: nonsense.
Genome position (GRCh38, 1-based): chrX:101,353,268, G>A on the plus strand (C>T on the coding strand, the complement: BTK is on the minus strand). VCF-style: chrX-101353268-G-A. GRCh37 (hg19) VCF-style: chrX-100608256-G-A.
Other names: c.1936C>T, p.Gln646Ter (NM_001287344.2); c.1306C>T, p.Gln436Ter (NM_001287345.2); short protein forms Q436*, Q612*, Q646*.
Identifiers: ClinVar variation 1727238 (VCV001727238.4), dbSNP rs2520527745, ClinGen allele CA413918950.

ClinVar aggregate classification (germline): Pathogenic. Review status: criteria provided, multiple submitters, no conflicts (2 of 4 stars). 2 submissions from 2 submitters: Pathogenic (2). Last evaluated 2023-01-20.

Conditions:
X-linked agammaglobulinemia (XLA). Also called: Agammaglobulinemia, Bruton tyrosine kinase; Agammaglobulinemia, BTK; BTK-deficiency; IMMUNODEFICIENCY 1; Bruton's agammaglobulinemia; AGAMMAGLOBULINEMIA, X-LINKED, TYPE 1. Identifiers: Orphanet 229717, Orphanet 47, MedGen C0221026, MONDO:0010421, OMIM 300755.
X-linked agammaglobulinemia with growth hormone deficiency (IGHD3). Also called: AGAMMAGLOBULINEMIA AND ISOLATED GROWTH HORMONE DEFICIENCY, X-LINKED; Isolated growth hormone deficiency type 3; Growth hormone deficiency with hypogammaglobulinemia; FLEISHER SYNDROME; ISOLATED GROWTH HORMONE DEFICIENCY, TYPE III, WITH AGAMMAGLOBULINEMIA; HYPOGAMMAGLOBULINEMIA AND ISOLATED GROWTH HORMONE DEFICIENCY, X-LINKED. Identifiers: Orphanet 231692, Orphanet 631, MedGen C0472813, MONDO:0010615, OMIM 307200.

Submissions (2):

Labcorp Genetics (formerly Invitae), Labcorp
Classification: Pathogenic for X-linked agammaglobulinemia with growth hormone deficiency. Last evaluated: 2023-01-20. Review status: criteria provided, single submitter. Criteria: Invitae Variant Classification Sherloc (09022015). Collection method: clinical testing. Allele origin: germline.
Comment: This sequence change creates a premature translational stop signal (p.Gln612*) in the BTK gene. It is expected to result in an absent or disrupted protein product. Loss-of-function variants in BTK are known to be pathogenic (PMID: 15661032, 16862044, 19419768). This variant is not present in population databases (gnomAD no frequency). This premature translational stop signal has been observed in individual(s) with X-linked agammaglobulinemia (PMID: 16159644). ClinVar contains an entry for this variant (Variation ID: 1727238). For these reasons, this variant has been classified as Pathogenic.

Suma Genomics
Classification: Pathogenic for X-linked agammaglobulinemia. Review status: criteria provided, single submitter. Criteria: ACMG Guidelines, 2015. Collection method: clinical testing. Allele origin: inherited. Inheritance: X-linked inheritance. Affected: yes.

Literature cited by the submitters: PubMed 15661032 (cited by Labcorp Genetics (formerly Invitae), Labcorp); PubMed 16862044 (cited by Labcorp Genetics (formerly Invitae), Labcorp); PubMed 19419768 (cited by Labcorp Genetics (formerly Invitae), Labcorp); PubMed 16159644 (cited by Labcorp Genetics (formerly Invitae), Labcorp).